The following is an entry in ClinVar:

NM_018089.3(ANKZF1):c.661A>G (p.Ile221Val)

Gene: ANKZF1 (ankyrin repeat and zinc finger peptidyl tRNA hydrolase 1; plus strand). Cytogenetic location: 2q35.
Variant type: single nucleotide variant.
Coding change: c.661A>G on transcript NM_018089.3 (MANE Select); coding-DNA position 661, A replaced by G.
Protein change: p.Ile221Val; replaces isoleucine 221 with valine.
Molecular consequence: missense variant.
Genome position (GRCh38, 1-based): chr2:219,233,181, A>G. VCF-style: chr2-219233181-A-G. GRCh37 (hg19) VCF-style: chr2-220097903-A-G.
Other names: c.661A>G, p.Ile221Val (NM_001042410.2); c.31A>G, p.Ile11Val (NM_001282792.2); short protein forms I11V, I221V.
Identifiers: ClinVar variation 2168761 (VCV002168761.4), dbSNP rs761553640, ClinGen allele CA2120808.

ClinVar aggregate classification (germline): Uncertain significance (1 of 4 stars; one submission).

Allele frequency attached by ClinVar (database versions not stated): gnomAD 0.00002; ExAC 0.00004; gnomAD exomes 0.00005.
gnomAD v4.1: 77 of 1,614,122 alleles (0.0048%); highest among the groups gnomAD compares: Non-Finnish European, 0.0061%; no homozygotes.

Submission:

Labcorp Genetics (formerly Invitae), Labcorp
Classification: Uncertain significance. Last evaluated: 2026-01-02. Review status: criteria provided, single submitter. Criteria: Invitae Variant Classification Sherloc (09022015). Collection method: clinical testing. Allele origin: germline.
Comment: This sequence change replaces isoleucine, which is neutral and non-polar, with valine, which is neutral and non-polar, at codon 221 of the ANKZF1 protein (p.Ile221Val). This variant is present in population databases (rs761553640, gnomAD 0.004%). This variant has not been reported in the literature in individuals affected with ANKZF1-related conditions. ClinVar contains an entry for this variant (Variation ID: 2168761). An algorithm developed to predict the effect of missense changes on protein structure and function outputs the following: PolyPhen-2: "Benign". The valine amino acid residue is found in multiple mammalian species, which suggests that this missense change does not adversely affect protein function. In summary, the available evidence is currently insufficient to determine the role of this variant in disease. Therefore, it has been classified as a Variant of Uncertain Significance.